The following is an entry in ClinVar:

ClinVar aggregate classification (germline): Pathogenic (1 of 4 stars; one submission).

Conditions:
Inborn genetic diseases. Identifiers: MedGen C0950123, MeSH D030342.

Submission:

Ambry Genetics
Classification: Pathogenic for Inborn genetic diseases. Last evaluated: 2023-08-04. Review status: criteria provided, single submitter. Criteria: Ambry Variant Classification Scheme 2023. Collection method: clinical testing. Allele origin: germline.
Comment: The c.2465T>A (p.L822*) alteration, located in exon 26 (coding exon 25) of the FANCD2 gene, consists of a T to A substitution at nucleotide position 2465. This changes the amino acid from a leucine (L) to a stop codon at amino acid position 822. This alteration is expected to result in loss of function by premature protein truncation or nonsense-mediated mRNA decay. This variant was not reported in population-based cohorts in the Genome Aggregation Database (gnomAD). Based on the available evidence, this alteration is classified as pathogenic.

NM_001018115.3(FANCD2):c.2465T>A (p.Leu822Ter)

Genes: FANCD2 (FA complementation group D2; plus strand), LOC107303338 (3p25 FANCD2 Alu-mediated recombination region; plus strand). Cytogenetic location: 3p25.3.
Variant type: single nucleotide variant.
Coding change: c.2465T>A on transcript NM_001018115.3 (MANE Select); coding-DNA position 2465, T replaced by A.
Protein change: p.Leu822Ter; replaces leucine 822 with a stop codon.
Molecular consequence: nonsense.
Genome position (GRCh38, 1-based): chr3:10,067,288, T>A. VCF-style: chr3-10067288-T-A. GRCh37 (hg19) VCF-style: chr3-10108972-T-A.
Other names: c.2465T>A, p.Leu822Ter (NM_001319984.2, NM_001374254.1, NM_033084.6); c.2354T>A, p.Leu785Ter (NM_001374253.1); short protein forms L822*, L785*.
Identifiers: ClinVar variation 2613194 (VCV002613194.2), dbSNP rs2469976033, ClinGen allele CA351738361.